The following is an entry in ClinVar:

NM_001009944.3(PKD1):c.905C>T (p.Ala302Val)

Gene: PKD1 (polycystin 1, transient receptor potential channel interacting; minus strand). Cytogenetic location: 16p13.3.
Variant type: single nucleotide variant.
Coding change: c.905C>T on transcript NM_001009944.3 (MANE Select); coding-DNA position 905, C replaced by T.
Protein change: p.Ala302Val; replaces alanine 302 with valine.
Molecular consequence: missense variant.
Genome position (GRCh38, 1-based): chr16:2,118,087, G>A on the plus strand (C>T on the coding strand, the complement: PKD1 is on the minus strand). VCF-style: chr16-2118087-G-A. GRCh37 (hg19) VCF-style: chr16-2168088-G-A.
Other names: c.905C>T, p.Ala302Val (NM_000296.4); c.905C>T (NM_000296.3); short protein forms A302V.
Identifiers: ClinVar variation 3907062 (VCV003907062.2).

ClinVar aggregate classification (germline): Uncertain significance. Review status: criteria provided, multiple submitters, no conflicts (2 of 4 stars). 2 submissions from 2 submitters: Uncertain significance (2). Last evaluated 2026-01-21.

Conditions:
Inborn genetic diseases. Identifiers: MedGen C0950123, MeSH D030342.

gnomAD v4.1: 21 of 1,606,844 alleles (0.0013%); highest among the groups gnomAD compares: African/African-American, 0.028%; no homozygotes.

Submissions (2):

Ambry Genetics
Classification: Uncertain significance for Inborn genetic diseases. Last evaluated: 2026-01-21. Review status: criteria provided, single submitter. Criteria: Ambry Variant Classification Scheme 2023. Collection method: clinical testing. Allele origin: germline.

Women's Health and Genetics/Laboratory Corporation of America, LabCorp
Classification: Uncertain significance. Last evaluated: 2025-06-17. Review status: criteria provided, single submitter. Criteria: LabCorp Variant Classification Summary - May 2015. Collection method: clinical testing. Allele origin: germline.
Comment: Variant summary: PKD1 c.905C>T (p.Ala302Val) results in a non-conservative amino acid change in the encoded protein sequence. Algorithms developed to predict the effect of missense changes on protein structure and function are either unavailable or do not agree on the potential impact of this missense change. The variant allele was found at a frequency of 1.4e-05 in 220916 control chromosomes. The available data on variant occurrences in the general population are insufficient to allow any conclusion about variant significance. To our knowledge, no occurrence of c.905C>T in individuals affected with PKD1-Biallelic Autosomal Recessive Polycystic Kidney Disease and no experimental evidence demonstrating its impact on protein function have been reported. No submitters have cited clinical-significance assessments for this variant to ClinVar. Based on the evidence outlined above, the variant was classified as uncertain significance.